The following is an entry in ClinVar:

ClinVar aggregate classification (germline): Uncertain significance (1 of 4 stars; one submission).

gnomAD v4.1: 1 of 1,614,132 alleles (0.000062%); highest among the groups gnomAD compares: Non-Finnish European, 0.000085%; no homozygotes.

Submission:

Labcorp Genetics (formerly Invitae), Labcorp
Classification: Uncertain significance. Last evaluated: 2023-09-04. Review status: criteria provided, single submitter. Criteria: Invitae Variant Classification Sherloc (09022015). Collection method: clinical testing. Allele origin: germline.
Comment: In summary, the available evidence is currently insufficient to determine the role of this variant in disease. Therefore, it has been classified as a Variant of Uncertain Significance. Advanced modeling of protein sequence and biophysical properties (such as structural, functional, and spatial information, amino acid conservation, physicochemical variation, residue mobility, and thermodynamic stability) performed at Invitae indicates that this missense variant is expected to disrupt COL9A2 protein function. This variant has not been reported in the literature in individuals affected with COL9A2-related conditions. This variant is present in population databases (no rsID available, gnomAD 0.0009%). This sequence change replaces glycine, which is neutral and non-polar, with cysteine, which is neutral and slightly polar, at codon 307 of the COL9A2 protein (p.Gly307Cys).

NM_001852.4(COL9A2):c.919G>T (p.Gly307Cys)

Gene: COL9A2 (collagen type IX alpha 2 chain; minus strand). Cytogenetic location: 1p34.2.
Variant type: single nucleotide variant.
Coding change: c.919G>T on transcript NM_001852.4 (MANE Select); coding-DNA position 919, G replaced by T.
Protein change: p.Gly307Cys; replaces glycine 307 with cysteine.
Molecular consequence: missense variant.
Genome position (GRCh38, 1-based): chr1:40,307,738, C>A on the plus strand (G>T on the coding strand, the complement: COL9A2 is on the minus strand). VCF-style: chr1-40307738-C-A. GRCh37 (hg19) VCF-style: chr1-40773410-C-A.
Other names: short protein forms G307C.
Identifiers: ClinVar variation 2757903 (VCV002757903.3), dbSNP rs184896618, ClinGen allele CA339852671.
Genomic context (GRCh38, chr1:40,307,738, plus strand): 5'-GTCCCATCAGCAGCCCCACTCCTACCTTCATGCCAGGCGTGCCTGGGGTCCCATCCTTGC[C>A]GTTGATGCCTGGGGGGCCCTACCCAGGAGGAAAGTTCAAGGGAGAGTGATAATGCGGAGA-3'
Protein context (NP_001843.1, residues 297-317): KGATGPPGIN[Gly307Cys]KDGTPGTPGM